The following is an entry in ClinVar:

NM_002485.5(NBN):c.64G>A (p.Val22Ile)

Gene: NBN (nibrin; minus strand). Cytogenetic location: 8q21.3.
Variant type: single nucleotide variant.
Coding change: c.64G>A on transcript NM_002485.5 (MANE Select); coding-DNA position 64, G replaced by A.
Protein change: p.Val22Ile; replaces valine 22 with isoleucine.
Molecular consequence: missense variant. On other transcripts: 5 prime UTR variant (1).
Genome position (GRCh38, 1-based): chr8:89,982,829, C>T on the plus strand (G>A on the coding strand, the complement: NBN is on the minus strand). VCF-style: chr8-89982829-C-T. GRCh37 (hg19) VCF-style: chr8-90995057-C-T.
Other names: c.-233G>A (NM_001024688.3); short protein forms V22I.
Identifiers: ClinVar variation 239202 (VCV000239202.27), dbSNP rs369910645, ClinGen allele CA4803061.

ClinVar aggregate classification (germline): Uncertain significance. Review status: criteria provided, multiple submitters, no conflicts (2 of 4 stars). 5 submissions from 5 submitters: Uncertain significance (3). 2 of the submissions do not count toward it. Last evaluated 2025-10-21.

Conditions:
NBN-related disorder. Also called: NBN-related condition.
Hereditary cancer-predisposing syndrome. Also called: Neoplastic Syndromes, Hereditary; Tumor predisposition; Hereditary neoplastic syndrome; Hereditary Cancer Syndrome. Identifiers: Orphanet 140162, MedGen C0027672, MeSH D009386, MONDO:0015356.
Microcephaly, normal intelligence and immunodeficiency (NBS). Also called: Ataxia telangiectasia variant V1; Nijmegen breakage syndrome; Microcephaly with normal intelligence immunodeficiency and lymphoreticular malignancies; Nonsyndromal microcephaly autosomal recessive with normal intelligence; Seemanova syndrome 2; IMMUNODEFICIENCY, MICROCEPHALY, AND CHROMOSOMAL INSTABILITY. Identifiers: Orphanet 647, MedGen C0398791, MONDO:0009623, OMIM 251260.

Allele frequency attached by ClinVar (database versions not stated): gnomAD exomes below 0.00001; gnomAD 0.00001; TOPMed 0.00001; ExAC 0.00002; ESP Exome Variant Server 0.00008.
gnomAD v4.1: 8 of 1,613,368 alleles (0.0005%); highest among the groups gnomAD compares: Non-Finnish European, 0.00059%; no homozygotes.

Submissions (5):

Ambry Genetics
Classification: Uncertain significance for Hereditary cancer-predisposing syndrome. Last evaluated: 2025-10-21. Review status: criteria provided, single submitter. Criteria: Ambry Variant Classification Scheme 2023. Collection method: clinical testing. Allele origin: germline.
Comment: The p.V22I variant (also known as c.64G>A), located in coding exon 2 of the NBN gene, results from a G to A substitution at nucleotide position 64. The valine at codon 22 is replaced by isoleucine, an amino acid with highly similar properties. This variant was reported in 1/60,466 breast cancer cases and in 1/53,461 controls (Dorling et al. N Engl J Med. 2021 02;384:428-439). This amino acid position is not well conserved in available vertebrate species. In addition, this alteration is predicted to be tolerated by in silico analysis. Since supporting evidence is limited at this time, the clinical significance of this alteration remains unclear.

Labcorp Genetics (formerly Invitae), Labcorp
Classification: Uncertain significance for Microcephaly, normal intelligence and immunodeficiency. Last evaluated: 2025-06-01. Review status: criteria provided, single submitter. Criteria: Invitae Variant Classification Sherloc (09022015). Collection method: clinical testing. Allele origin: germline.
Comment: This sequence change replaces valine, which is neutral and non-polar, with isoleucine, which is neutral and non-polar, at codon 22 of the NBN protein (p.Val22Ile). This variant is present in population databases (rs369910645, gnomAD 0.002%). This variant has not been reported in the literature in individuals affected with NBN-related conditions. ClinVar contains an entry for this variant (Variation ID: 239202). An algorithm developed to predict the effect of missense changes on protein structure and function outputs the following: PolyPhen-2: "Benign". The isoleucine amino acid residue is found in multiple mammalian species, which suggests that this missense change does not adversely affect protein function. In summary, the available evidence is currently insufficient to determine the role of this variant in disease. Therefore, it has been classified as a Variant of Uncertain Significance.

Genome-Nilou Lab
Classification: Uncertain significance for Microcephaly, normal intelligence and immunodeficiency. Last evaluated: 2021-11-07. Review status: criteria provided, single submitter. Criteria: ACMG Guidelines, 2015. Collection method: clinical testing. Allele origin: germline. Affected: no.

PreventionGenetics, part of Exact Sciences
Classification: Uncertain significance for NBN-related condition. Last evaluated: 2024-05-17. Review status: no assertion criteria provided. Collection method: clinical testing. Allele origin: germline. Not counted in ClinVar's aggregate classification.
Comment: The NBN c.64G>A variant is predicted to result in the amino acid substitution p.Val22Ile. To our knowledge, this variant has not been reported in the literature. This variant is reported in 0.00088% of alleles in individuals of European (Non-Finnish) descent in gnomAD and is interpreted as uncertain in ClinVar. At this time, the clinical significance of this variant is uncertain due to the absence of conclusive functional and genetic evidence.

Natera, Inc.
Classification: Uncertain significance for Nijmegen breakage syndrome. Last evaluated: 2021-03-03. Review status: no assertion criteria provided. Collection method: clinical testing. Allele origin: germline. Not counted in ClinVar's aggregate classification.

Literature cited by the submitters: PubMed 33471991 (cited by Ambry Genetics).